The following is an entry in ClinVar:

ClinVar aggregate classification (germline): Likely pathogenic (1 of 4 stars; one submission).

Conditions:
Spermatogenic failure 65 (SPGF65). Identifiers: MedGen C5562067, MONDO:0030531, OMIM 619712.

gnomAD v4.1: 27 of 1,551,654 alleles (0.0017%); highest among the groups gnomAD compares: Middle Eastern, 0.017%; no homozygotes.

Submission:

First Genomix Gene Laboratory, Genetic Diagnostics Department
Classification: Likely pathogenic for Spermatogenic failure 65. Last evaluated: 2025-03-18. Review status: criteria provided, single submitter. Criteria: ACMG Guidelines, 2015. Collection method: clinical testing. Allele origin: germline. Inheritance: Autosomal recessive inheritance. Affected: no. Observed: 1 variant allele.

NM_144666.3(DNHD1):c.5785C>T (p.Arg1929Ter)

Gene: DNHD1 (dynein heavy chain domain 1; plus strand). Cytogenetic location: 11p15.4.
Variant type: single nucleotide variant.
Coding change: c.5785C>T on transcript NM_144666.3 (MANE Select); coding-DNA position 5785, C replaced by T.
Protein change: p.Arg1929Ter; replaces arginine 1929 with a stop codon.
Molecular consequence: nonsense.
Genome position (GRCh38, 1-based): chr11:6,546,724, C>T. VCF-style: chr11-6546724-C-T. GRCh37 (hg19) VCF-style: chr11-6567954-C-T.
Other names: short protein forms R1929*.
Identifiers: ClinVar variation 4845875 (VCV004845875.1).